The following is an entry in ClinVar:

ClinVar aggregate classification (germline): Pathogenic (1 of 4 stars; one submission).

Allele frequency attached by ClinVar (database versions not stated): gnomAD exomes below 0.00001.
gnomAD v4.1: 1 of 1,614,256 alleles (0.000062%); highest among the groups gnomAD compares: Middle Eastern, 0.016%; no homozygotes.

Submission:

Labcorp Genetics (formerly Invitae), Labcorp
Classification: Pathogenic. Last evaluated: 2020-02-13. Review status: criteria provided, single submitter. Criteria: Invitae Variant Classification Sherloc (09022015). Collection method: clinical testing. Allele origin: germline.
Comment: This sequence change creates a premature translational stop signal (p.Gln930*) in the LAMB3 gene. It is expected to result in an absent or disrupted protein product. This variant is not present in population databases (ExAC no frequency). This variant has not been reported in the literature in individuals with LAMB3-related conditions. Loss-of-function variants in LAMB3 are known to be pathogenic (PMID: 11023379, 16473856). For these reasons, this variant has been classified as Pathogenic.

Literature cited by the submitters: PubMed 11023379; PubMed 16473856.

NM_000228.3(LAMB3):c.2788C>T (p.Gln930Ter)

Gene: LAMB3 (laminin subunit beta 3; minus strand). Cytogenetic location: 1q32.2.
Variant type: single nucleotide variant.
Coding change: c.2788C>T on transcript NM_000228.3 (MANE Select); coding-DNA position 2788, C replaced by T.
Protein change: p.Gln930Ter; replaces glutamine 930 with a stop codon.
Molecular consequence: nonsense.
Genome position (GRCh38, 1-based): chr1:209,618,573, G>A on the plus strand (C>T on the coding strand, the complement: LAMB3 is on the minus strand). VCF-style: chr1-209618573-G-A. GRCh37 (hg19) VCF-style: chr1-209791918-G-A.
Other names: c.2788C>T, p.Gln930Ter (NM_001017402.2, NM_001127641.1); short protein forms Q930*.
Identifiers: ClinVar variation 1070928 (VCV001070928.7), dbSNP rs2102406831, ClinGen allele CA344585198.